The following is an entry in ClinVar:

NM_002830.4(PTPN4):c.191T>A (p.Leu64Ter)

Gene: PTPN4 (protein tyrosine phosphatase non-receptor type 4; plus strand). Cytogenetic location: 2q14.2.
Variant type: single nucleotide variant.
Coding change: c.191T>A on transcript NM_002830.4 (MANE Select); coding-DNA position 191, T replaced by A.
Protein change: p.Leu64Ter; replaces leucine 64 with a stop codon.
Molecular consequence: nonsense.
Genome position (GRCh38, 1-based): chr2:119,862,588, T>A. VCF-style: chr2-119862588-T-A. GRCh37 (hg19) VCF-style: chr2-120620164-T-A.
Other names: short protein forms L64*.
Identifiers: ClinVar variation 4628612 (VCV004628612.2).

ClinVar aggregate classification (germline): Pathogenic (1 of 4 stars; one submission).

Conditions:
Inborn genetic diseases. Identifiers: MedGen C0950123, MeSH D030342.

gnomAD v4.1: 2 of 1,613,478 alleles (0.00012%); highest among the groups gnomAD compares: Non-Finnish European, 0.00017%; no homozygotes.

Submission:

Ambry Genetics
Classification: Pathogenic for Inborn genetic diseases. Last evaluated: 2026-09-04. Review status: criteria provided, single submitter. Criteria: Ambry Variant Classification Scheme 2023. Collection method: clinical testing. Allele origin: germline.
Comment: The c.191T>A (p.L64*) alteration, located in exon 3 (coding exon 2) of the PTPN4 gene, consists of a T to A substitution at nucleotide position 191. This changes the amino acid from a leucine (L) to a stop codon at amino acid position 64. This alteration is expected to result in loss of function by premature protein truncation or nonsense-mediated mRNA decay. This variant was not reported in population-based cohorts in the Genome Aggregation Database (gnomAD). Based on the available evidence, this alteration is classified as pathogenic.